The following is an entry in ClinVar:

ClinVar aggregate classification (germline): Uncertain significance. Review status: criteria provided, multiple submitters, no conflicts (2 of 4 stars). 4 submissions from 4 submitters: Uncertain significance (3). 1 of the submissions does not count toward it. Last evaluated 2022-08-01.

Conditions:
Decreased response to growth hormone stimulation test. Also called: Growth hormone deficiency. Identifiers: MedGen C5539399, HP:0000824.
Autosomal dominant isolated somatotropin deficiency (IGHD2). Also called: Idiopathic Growth Hormone Deficiency Type II; IGHD II. Identifiers: Orphanet 231679, Orphanet 631, MedGen C0271567, MONDO:0008250, OMIM 173100.

Allele frequency attached by ClinVar (database versions not stated): ExAC 0.00002; gnomAD exomes 0.00005; ESP Exome Variant Server 0.00008; gnomAD 0.00010 and 0.00011; TOPMed 0.00010.

Submissions (4):

CeGaT Center for Human Genetics Tuebingen
Classification: Uncertain significance. Last evaluated: 2022-08-01. Review status: criteria provided, single submitter. Criteria: CeGaT Center For Human Genetics Tuebingen Variant Classification Criteria Version 2. Collection method: clinical testing. Allele origin: germline. Affected: yes. Observed: 1 variant allele.
Comment: GH1: PM2:Supporting

Illumina Laboratory Services, Illumina
Classification: Uncertain significance for Growth hormone deficiency. Last evaluated: 2018-01-12. Review status: criteria provided, single submitter. Criteria: ICSL Variant Classification Criteria 13 December 2019. Collection method: clinical testing. Allele origin: germline.

Juno Genomics, Hangzhou Juno Genomics, Inc
Classification: Uncertain significance for Autosomal dominant isolated somatotropin deficiency. Review status: criteria provided, single submitter. Criteria: ACMG Guidelines, 2015. Collection method: clinical testing. Allele origin: germline. Affected: yes.
Comment: Absent from controls (or at extremely low frequency if recessive) in Genome Aggregation Database, Exome Sequencing Project, 1000 Genomes Project, or Exome Aggregation Consortium.;Multiple lines of computational evidence support a deleterious effect on the gene or gene product (conservation, evolutionary, splicing impact, etc).

Department of Pathology and Laboratory Medicine, Sinai Health System
Classification: Uncertain significance. Review status: no assertion criteria provided. Collection method: clinical testing. Allele origin: unknown. Affected: yes. Study: The Canadian Open Genetics Repository (COGR). Not counted in ClinVar's aggregate classification.
Comment: The GH1 p.Ala43Thr variant was not identified in the literature nor was it identified in LOVD 3.0. The variant was identified in dbSNP (ID: rs140787052), ClinVar (classified as a VUS by Illumina for isolated growth hormone deficiency) and Cosmic. The variant was also identified in control databases in 14 of 282864 chromosomes at a frequency of 0.000049 (Genome Aggregation Database Feb 27, 2017). The variant was observed in the following populations: Latino in 5 of 35440 chromosomes (freq: 0.000141), European (non-Finnish) in 7 of 129176 chromosomes (freq: 0.000054), East Asian in 1 of 19952 chromosomes (freq: 0.00005) and South Asian in 1 of 30614 chromosomes (freq: 0.000033); it was not observed in the African, Ashkenazi Jewish, European (Finnish) or Other populations. The p.Ala43 residue is conserved in mammals and computational analyses (PolyPhen-2, SIFT, AlignGVGD, BLOSUM, MutationTaster) provide inconsistent predictions regarding the impact to the protein; this information is not very predictive of pathogenicity. The variant occurs outside of the splicing consensus sequence and in silico or computational prediction software programs (SpliceSiteFinder, MaxEntScan, NNSPLICE, GeneSplicer) do not predict a difference in splicing. In summary, based on the above information the clinical significance of this variant cannot be determined with certainty at this time. This variant is classified as a variant of uncertain significance.

NM_000515.5(GH1):c.127G>A (p.Ala43Thr)

Genes: GH-LCR (growth hormone locus control region; plus strand), GH1 (growth hormone 1; minus strand). Cytogenetic location: 17q23.3.
Variant type: single nucleotide variant.
Coding change: c.127G>A on transcript NM_000515.5 (MANE Select); coding-DNA position 127, G replaced by A.
Protein change: p.Ala43Thr; replaces alanine 43 with threonine.
Molecular consequence: missense variant.
Genome position (GRCh38, 1-based): chr17:63,918,390, C>T on the plus strand (G>A on the coding strand, the complement: GH1 is on the minus strand). VCF-style: chr17-63918390-C-T. GRCh37 (hg19) VCF-style: chr17-61995750-C-T.
Other names: c.127G>A, p.Ala43Thr (NM_022559.4, NM_022560.4); short protein forms A43T.
Identifiers: ClinVar variation 324457 (VCV000324457.32), dbSNP rs140787052, ClinGen allele CA8708348.